The following is an entry in ClinVar:

NM_000388.4(CASR):c.1943G>A (p.Arg648Gln)

Gene: CASR (calcium sensing receptor; plus strand). Cytogenetic location: 3q21.1.
Variant type: single nucleotide variant.
Coding change: c.1943G>A on transcript NM_000388.4 (MANE Select); coding-DNA position 1943, G replaced by A.
Protein change: p.Arg648Gln; replaces arginine 648 with glutamine.
Molecular consequence: missense variant.
Genome position (GRCh38, 1-based): chr3:122,283,897, G>A. VCF-style: chr3-122283897-G-A. GRCh37 (hg19) VCF-style: chr3-122002744-G-A.
Other names: c.1973G>A, p.Arg658Gln (NM_001178065.2); short protein forms R658Q, R648Q.
Identifiers: ClinVar variation 820391 (VCV000820391.11), dbSNP rs757736220, ClinGen allele CA82748652.
Genomic context (GRCh38, chr3:122,283,897, plus strand): 5'-CCTTTGTGCTGGGTGTGTTTATCAAGTTCCGCAACACACCCATTGTCAAGGCCACCAACC[G>A]AGAGCTCTCCTACCTCCTCCTCTTCTCCCTGCTCTGCTGCTTCTCCAGCTCCCTGTTCTT-3'
Protein context (NP_000379.3, residues 638-658): RNTPIVKATN[Arg648Gln]ELSYLLLFSL

ClinVar aggregate classification (germline): Uncertain significance. Review status: criteria provided, multiple submitters, no conflicts (2 of 4 stars). 4 submissions from 4 submitters: Uncertain significance (4). Last evaluated 2025-07-17.

Conditions:
Familial hypocalciuric hypercalcemia 1. Also called: Hypercalcemia, familial benign type 1. Identifiers: Orphanet 405, Orphanet 93372, MedGen C0342637, MONDO:0007791, OMIM 145980.
Neonatal severe primary hyperparathyroidism. Identifiers: Orphanet 417, MedGen C1832615, MONDO:0009397, OMIM 239200.
Epilepsy, idiopathic generalized, susceptibility to, 8. Identifiers: MedGen C2752062, MONDO:0013032, OMIM 612899.
Autosomal dominant hypocalcemia 1 (HYPOC1). Also called: HYPOCALCEMIA, FAMILIAL. Identifiers: MedGen C3715128, MONDO:0011013, OMIM 601198.
Familial hyperparathyroidism or Hypocalciuric hypercalcaemia.
Familial hypocalciuric hypercalcemia (FHH). Also called: Familial benign hypercalcemia. Identifiers: Orphanet 405, MedGen C1809471, MONDO:0018458.
Nephrolithiasis/nephrocalcinosis. Identifiers: MedGen CN580796.

Allele frequency attached by ClinVar (database versions not stated): TOPMed 0.00001.
gnomAD v4.1: 10 of 1,613,478 alleles (0.00062%); highest among the groups gnomAD compares: Middle Eastern, 0.016%; no homozygotes.

Submissions (4):

Cambridge Genomics Laboratory, East Genomic Laboratory Hub, NHS Genomic Medicine Service
Classification: Uncertain significance for Familial hyperparathyroidism or Hypocalciuric hypercalcaemia. Last evaluated: 2025-07-17. Review status: criteria provided, single submitter. Criteria: ACGS Best Practice Guidelines for Variant Classification in Rare Disease 2020. Collection method: clinical testing. Allele origin: germline. Affected: yes.
Comment: PM2_Supporting,PP2,PP3

Labcorp Genetics (formerly Invitae), Labcorp
Classification: Uncertain significance for Familial hypocalciuric hypercalcemia; Autosomal dominant hypocalcemia 1. Last evaluated: 2025-04-07. Review status: criteria provided, single submitter. Criteria: Invitae Variant Classification Sherloc (09022015). Collection method: clinical testing. Allele origin: germline.
Comment: This sequence change replaces arginine, which is basic and polar, with glutamine, which is neutral and polar, at codon 648 of the CASR protein (p.Arg648Gln). This variant is not present in population databases (gnomAD no frequency). This variant has not been reported in the literature in individuals affected with CASR-related conditions. ClinVar contains an entry for this variant (Variation ID: 820391). An algorithm developed to predict the effect of missense changes on protein structure and function (PolyPhen-2) suggests that this variant is likely to be disruptive. In summary, the available evidence is currently insufficient to determine the role of this variant in disease. Therefore, it has been classified as a Variant of Uncertain Significance.

Fulgent Genetics
Classification: Uncertain significance for Familial hypocalciuric hypercalcemia 1; Neonatal severe primary hyperparathyroidism; Autosomal dominant hypocalcemia 1; Epilepsy, idiopathic generalized, susceptibility to, 8. Last evaluated: 2024-02-29. Review status: criteria provided, single submitter. Criteria: ACMG Guidelines, 2015. Collection method: clinical testing. Allele origin: germline.

Ambry Genetics
Classification: Uncertain significance for Nephrolithiasis/nephrocalcinosis. Last evaluated: 2022-07-21. Review status: criteria provided, single submitter. Criteria: Ambry Variant Classification Scheme 2023. Collection method: clinical testing. Allele origin: germline.
Comment: The p.R648Q variant (also known as c.1943G>A), located in coding exon 6 of the CASR gene, results from a G to A substitution at nucleotide position 1943. The arginine at codon 648 is replaced by glutamine, an amino acid with highly similar properties. This amino acid position is highly conserved in available vertebrate species. In addition, this alteration is predicted to be deleterious by in silico analysis. Since supporting evidence is limited at this time, the clinical significance of this alteration remains unclear.